The following is an entry in ClinVar:

NM_003664.5(AP3B1):c.2172G>A (p.Gln724=)

Gene: AP3B1 (adaptor related protein complex 3 subunit beta 1; minus strand). Cytogenetic location: 5q14.1.
Variant type: single nucleotide variant.
Coding change: c.2172G>A on transcript NM_003664.5 (MANE Select); coding-DNA position 2172, G replaced by A.
Protein change: p.Gln724=; no amino-acid change (glutamine 724 retained).
Molecular consequence: synonymous variant.
Genome position (GRCh38, 1-based): chr5:78,113,829, C>T on the plus strand (G>A on the coding strand, the complement: AP3B1 is on the minus strand). VCF-style: chr5-78113829-C-T. GRCh37 (hg19) VCF-style: chr5-77409653-C-T.
Other names: c.2025G>A, p.Gln675= (NM_001271769.2).
Identifiers: ClinVar variation 746641 (VCV000746641.13), dbSNP rs551799202, ClinGen allele CA3316835.

ClinVar aggregate classification (germline): Likely benign. Review status: criteria provided, single submitter (1 of 4 stars). 2 submissions from 2 submitters: Likely benign (1). 1 of the submissions does not count toward it. Last evaluated 2026-01-08.

Conditions:
Hermansky-Pudlak syndrome 2 (HPS2). Also called: Platelet defects and oculocutaneous albinism. Identifiers: Orphanet 183678, Orphanet 79430, MedGen C1842362, MONDO:0011997, OMIM 608233.
AP3B1-related disorder. Also called: AP3B1-related condition.

Allele frequency attached by ClinVar (database versions not stated): TOPMed 0.00003; gnomAD exomes 0.00005 and 0.00001; ExAC 0.00006; gnomAD 0.00003; 1000 Genomes Project 30x 0.00016; 1000 Genomes Project 0.00020.
gnomAD v4.1: 17 of 1,614,200 alleles (0.0011%); highest among the groups gnomAD compares: East Asian, 0.031%; no homozygotes.

Submissions (2):

Labcorp Genetics (formerly Invitae), Labcorp
Classification: Likely benign for Hermansky-Pudlak syndrome 2. Last evaluated: 2026-01-08. Review status: criteria provided, single submitter. Criteria: Invitae Variant Classification Sherloc (09022015). Collection method: clinical testing. Allele origin: germline.

PreventionGenetics, part of Exact Sciences
Classification: Likely benign for AP3B1-related condition. Last evaluated: 2019-06-12. Review status: no assertion criteria provided. Collection method: clinical testing. Allele origin: germline. Not counted in ClinVar's aggregate classification.
Comment: This variant is classified as likely benign based on ACMG/AMP sequence variant interpretation guidelines (Richards et al. 2015 PMID: 25741868, with internal and published modifications).